The following is an entry in ClinVar:

ClinVar aggregate classification (germline): Uncertain significance (1 of 4 stars; one submission).

Allele frequency attached by ClinVar (database versions not stated): gnomAD exomes 0.00010.

Submissions (4):

Labcorp Genetics (formerly Invitae), Labcorp
Classification: Uncertain significance. Last evaluated: 2021-11-13. Review status: criteria provided, single submitter. Criteria: Invitae Variant Classification Sherloc (09022015). Collection method: clinical testing. Allele origin: germline.
Comment: In summary, the available evidence is currently insufficient to determine the role of this variant in disease. Therefore, it has been classified as a Variant of Uncertain Significance. Variants that disrupt the consensus splice site are a relatively common cause of aberrant splicing (PMID: 17576681, 9536098). Algorithms developed to predict the effect of sequence changes on RNA splicing suggest that this variant is not likely to affect RNA splicing. This variant has not been reported in the literature in individuals affected with TRMT5-related conditions. This variant is not present in population databases (gnomAD no frequency). This sequence change falls in intron 1 of the TRMT5 gene. It does not directly change the encoded amino acid sequence of the TRMT5 protein. It affects a nucleotide within the consensus splice site.

Dr. Peter K. Rogan Lab, Western University
No classification provided (evidence only). Condition: Sarcoma. Review status: no classification provided. Collection method: in vitro. Allele origin: not applicable. Functional consequence: retained intron. Not counted in ClinVar's aggregate classification.

Dr. Peter K. Rogan Lab, Western University
No classification provided (evidence only). Condition: Gastric cancer. Review status: no classification provided. Collection method: in vitro. Allele origin: not applicable. Functional consequence: retained intron. Not counted in ClinVar's aggregate classification.

Dr. Peter K. Rogan Lab, Western University
No classification provided (evidence only). Condition: Malignant tumor of esophagus. Review status: no classification provided. Collection method: in vitro. Allele origin: not applicable. Functional consequence: skipped exon, retained intron. Not counted in ClinVar's aggregate classification.

Literature cited by the submitters: PubMed 17576681 (cited by Labcorp Genetics (formerly Invitae), Labcorp); PubMed 9536098 (cited by Labcorp Genetics (formerly Invitae), Labcorp).

NM_020810.3(TRMT5):c.12-3A>T

Gene: TRMT5 (tRNA methyltransferase 5; minus strand). Cytogenetic location: 14q23.1.
Variant type: single nucleotide variant.
Coding change: c.12-3A>T on transcript NM_020810.3 (MANE Select); 3 bases into the intron before coding-DNA position 12, A replaced by T.
Molecular consequence: intron variant.
Genome position (GRCh38, 1-based): chr14:60,979,889, T>A on the plus strand (A>T on the coding strand, the complement: TRMT5 is on the minus strand). VCF-style: chr14-60979889-T-A. GRCh37 (hg19) VCF-style: chr14-61446607-T-A.
Other names: c.96-3A>T (NM_001350253.1); c.93-3A>T (NM_001350254.1).
Identifiers: ClinVar variation 1480207 (VCV001480207.7), dbSNP rs1403720507, ClinGen allele CA707419948.